The following is an entry in ClinVar:

NM_000435.3(NOTCH3):c.267C>T (p.Gly89=)

Gene: NOTCH3 (notch receptor 3; minus strand). Cytogenetic location: 19p13.12.
Variant type: single nucleotide variant.
Coding change: c.267C>T on transcript NM_000435.3 (MANE Select); coding-DNA position 267, C replaced by T.
Protein change: p.Gly89=; no amino-acid change (glycine 89 retained).
Molecular consequence: synonymous variant.
Genome position (GRCh38, 1-based): chr19:15,192,450, G>A on the plus strand (C>T on the coding strand, the complement: NOTCH3 is on the minus strand). VCF-style: chr19-15192450-G-A. GRCh37 (hg19) VCF-style: chr19-15303261-G-A.
Identifiers: ClinVar variation 707138 (VCV000707138.7), dbSNP rs780210842, ClinGen allele CA9263946.

ClinVar aggregate classification (germline): Likely benign. Review status: criteria provided, multiple submitters, no conflicts (2 of 4 stars). 3 submissions from 3 submitters: Likely benign (3). Last evaluated 2025-11-27.

Allele frequency attached by ClinVar (database versions not stated): gnomAD exomes 0.00001 and 0.00002; TOPMed 0.00001; ExAC 0.00003.
gnomAD v4.1: 8 of 1,612,368 alleles (0.0005%); highest among the groups gnomAD compares: Admixed American, 0.013%; no homozygotes.

Submissions (3):

Labcorp Genetics (formerly Invitae), Labcorp
Classification: Likely benign. Last evaluated: 2025-11-27. Review status: criteria provided, single submitter. Criteria: Invitae Variant Classification Sherloc (09022015). Collection method: clinical testing. Allele origin: germline.

Athena Diagnostics
Classification: Likely benign. Last evaluated: 2025-05-19. Review status: criteria provided, single submitter. Criteria: Athena Diagnostics Criteria. Collection method: clinical testing. Allele origin: unknown.
Comment: The frequency of this variant in the general population is higher than would generally be expected for pathogenic variants in this gene. Computational tools yielded predictions that this variant is unlikely to have an effect on normal RNA splicing. This nucleotide position exhibits low evolutionary conservation.

ARUP Laboratories, Molecular Genetics and Genomics, ARUP Laboratories
Classification: Likely benign. Last evaluated: 2023-09-25. Review status: criteria provided, single submitter. Criteria: ARUP Molecular Germline Variant Investigation Process 2024. Collection method: clinical testing. Allele origin: germline.